The following is an entry in ClinVar:

ClinVar aggregate classification (germline): Uncertain significance (1 of 4 stars; one submission).

Conditions:
KBG syndrome (KBGS). Also called: ANKRD11-Related KBG Syndrome. Identifiers: Orphanet 2332, MedGen C0220687, MONDO:0007846, OMIM 148050.

Allele frequency attached by ClinVar (database versions not stated): TOPMed 0.00001.
gnomAD v4.1: 60 of 1,532,888 alleles (0.0039%); highest among the groups gnomAD compares: Non-Finnish European, 0.0052%; no homozygotes.

Submission:

Baylor Genetics
Classification: Uncertain significance for KBG syndrome. Last evaluated: 2018-06-12. Review status: criteria provided, single submitter. Criteria: ACMG Guidelines, 2015. Collection method: clinical testing. Allele origin: unknown. Affected: yes.
Comment: This variant was determined to be of uncertain significance according to ACMG Guidelines, 2015 [PMID:25741868].

NM_013275.6(ANKRD11):c.6823G>T (p.Ala2275Ser)

Gene: ANKRD11 (ankyrin repeat domain 11; minus strand). Cytogenetic location: 16q24.3.
Variant type: single nucleotide variant.
Coding change: c.6823G>T on transcript NM_013275.6 (MANE Select); coding-DNA position 6823, G replaced by T.
Protein change: p.Ala2275Ser; replaces alanine 2275 with serine.
Molecular consequence: missense variant.
Genome position (GRCh38, 1-based): chr16:89,279,719, C>A on the plus strand (G>T on the coding strand, the complement: ANKRD11 is on the minus strand). VCF-style: chr16-89279719-C-A. GRCh37 (hg19) VCF-style: chr16-89346127-C-A.
Other names: c.6823G>T, p.Ala2275Ser (NM_001256182.2, NM_001256183.2); short protein forms A2275S.
Identifiers: ClinVar variation 1031772 (VCV001031772.1), dbSNP rs750990942, ClinGen allele CA397149902.
Genomic context (GRCh38, chr16:89,279,719, plus strand): 5'-CAGTGTCGTCCTCGGGGCCGGCACCGTCTGCGGCCTGAGCTTGTGCCACAGTGTTCGGGG[C>A]GGGGCCGTCAGGGGCACAGAGGGACGCGGCGGGGGGGCCTTCAGCCTCAGCCCCCTGGTC-3'
Protein context (NP_037407.4, residues 2265-2285): AASLCAPDGP[Ala2275Ser]PNTVAQAQAA